The following is an entry in ClinVar:

ClinVar aggregate classification (germline): Uncertain significance (1 of 4 stars; one submission).

Conditions:
Retinoblastoma (RB1). Also called: RETINOBLASTOMA, SOMATIC. Identifiers: Orphanet 790, MedGen C0035335, MeSH D012175, MONDO:0008380, OMIM 180200, HP:0009919. Disease mechanism: loss of function. Inheritance: Both sporadic and heritable forms are tested..

Submission:

Labcorp Genetics (formerly Invitae), Labcorp
Classification: Uncertain significance for Retinoblastoma. Last evaluated: 2022-06-20. Review status: criteria provided, single submitter. Criteria: Invitae Variant Classification Sherloc (09022015). Collection method: clinical testing. Allele origin: germline.
Comment: This variant has not been reported in the literature in individuals affected with RB1-related conditions. In summary, the available evidence is currently insufficient to determine the role of this variant in disease. Therefore, it has been classified as a Variant of Uncertain Significance. Algorithms developed to predict the effect of missense changes on protein structure and function (SIFT, PolyPhen-2, Align-GVGD) all suggest that this variant is likely to be disruptive. This variant is not present in population databases (gnomAD no frequency). This sequence change replaces aspartic acid, which is acidic and polar, with histidine, which is basic and polar, at codon 330 of the RB1 protein (p.Asp330His).

NM_000321.3(RB1):c.988G>C (p.Asp330His)

Gene: RB1 (RB transcriptional corepressor 1; plus strand). Cytogenetic location: 13q14.2.
Variant type: single nucleotide variant.
Coding change: c.988G>C on transcript NM_000321.3 (MANE Select); coding-DNA position 988, G replaced by C.
Protein change: p.Asp330His; replaces aspartic acid 330 with histidine.
Molecular consequence: missense variant.
Genome position (GRCh38, 1-based): chr13:48,367,542, G>C. VCF-style: chr13-48367542-G-C. GRCh37 (hg19) VCF-style: chr13-48941678-G-C.
Other names: c.988G>C, p.Asp330His (NM_001407165.1, NM_001407166.1); short protein forms D330H.
Identifiers: ClinVar variation 2008723 (VCV002008723.4), dbSNP rs763377384, ClinGen allele CA388160733.